The following is an entry in ClinVar:

ClinVar aggregate classification (germline): Pathogenic (1 of 4 stars; one submission).

Conditions:
Greig cephalopolysyndactyly syndrome (GCPS). Also called: POLYSYNDACTYLY WITH PECULIAR SKULL SHAPE; Greig syndrome; GLI3-Related Greig Cephalopolysyndactyly Syndrome. Identifiers: Orphanet 380, MedGen C0265306, MONDO:0008287, OMIM 175700.
Pallister-Hall syndrome (PHS). Also called: HYPOTHALAMIC HAMARTOBLASTOMA, HYPOPITUITARISM, IMPERFORATE ANUS, AND POSTAXIAL POLYDACTYLY; GLI3-Related Pallister-Hall Syndrome. Identifiers: Orphanet 672, MedGen C0265220, MONDO:0007804, OMIM 146510.

Submission:

Labcorp Genetics (formerly Invitae), Labcorp
Classification: Pathogenic for Pallister-Hall syndrome; Greig cephalopolysyndactyly syndrome. Last evaluated: 2022-02-14. Review status: criteria provided, single submitter. Criteria: Invitae Variant Classification Sherloc (09022015). Collection method: clinical testing. Allele origin: germline.
Comment: This variant results in the deletion of part of exon 15 (c.3554_*3458delins366) of the GLI3 gene. While this deletion is not anticipated to lead to nonsense mediated decay, it is expected to alter mRNA translation or result in a truncated protein product. This variant has not been reported in the literature in individuals affected with GLI3-related conditions. This variant disrupts a region of the GLI3 protein in which other variant(s) (p.Tyr1254*) have been determined to be pathogenic (Invitae). This suggests that this is a clinically significant region of the protein, and that variants that disrupt it are likely to be disease-causing. For these reasons, this variant has been classified as Pathogenic.

NC_000007.13:g.(?_42000470)_(42005117_?)del

Gene: GLI3 (GLI family zinc finger 3; minus strand). Cytogenetic location: 7p14.1.
Variant type: Deletion.
Identifiers: ClinVar variation 2422509 (VCV002422509.4).